The following is an entry in ClinVar:

ClinVar aggregate classification (germline): Uncertain significance (1 of 4 stars; one submission).

Conditions:
Bethlem myopathy 1A. Also called: Bethlem myopathy 1; MYOPATHY, BENIGN CONGENITAL, WITH CONTRACTURES; Bethlem Muscular Dystrophy. Identifiers: Orphanet 610, MedGen CN029274, MONDO:0024530, OMIM 158810.

Submission:

Labcorp Genetics (formerly Invitae), Labcorp
Classification: Uncertain significance for Bethlem myopathy 1A. Last evaluated: 2023-02-17. Review status: criteria provided, single submitter. Criteria: Invitae Variant Classification Sherloc (09022015). Collection method: clinical testing. Allele origin: germline.
Comment: This sequence change replaces threonine, which is neutral and polar, with alanine, which is neutral and non-polar, at codon 1795 of the COL6A3 protein (p.Thr1795Ala). This variant is not present in population databases (gnomAD no frequency). This variant has not been reported in the literature in individuals affected with COL6A3-related conditions. Advanced modeling of protein sequence and biophysical properties (such as structural, functional, and spatial information, amino acid conservation, physicochemical variation, residue mobility, and thermodynamic stability) performed at Invitae indicates that this missense variant is not expected to disrupt COL6A3 protein function. In summary, the available evidence is currently insufficient to determine the role of this variant in disease. Therefore, it has been classified as a Variant of Uncertain Significance.

NM_004369.4(COL6A3):c.5383A>G (p.Thr1795Ala)

Gene: COL6A3 (collagen type VI alpha 3 chain; minus strand). Cytogenetic location: 2q37.3.
Variant type: single nucleotide variant.
Coding change: c.5383A>G on transcript NM_004369.4 (MANE Select); coding-DNA position 5383, A replaced by G.
Protein change: p.Thr1795Ala; replaces threonine 1795 with alanine.
Molecular consequence: missense variant.
Genome position (GRCh38, 1-based): chr2:237,366,804, T>C on the plus strand (A>G on the coding strand, the complement: COL6A3 is on the minus strand). VCF-style: chr2-237366804-T-C. GRCh37 (hg19) VCF-style: chr2-238275447-T-C.
Other names: c.3562A>G, p.Thr1188Ala (NM_057166.5); c.4765A>G, p.Thr1589Ala (NM_057167.4); short protein forms T1795A, T1188A, T1589A.
Identifiers: ClinVar variation 2811114 (VCV002811114.3), dbSNP rs2469883108, ClinGen allele CA351187598.